The following is an entry in ClinVar:

NM_030912.3(TRIM8):c.830A>G (p.Gln277Arg)

Gene: TRIM8 (tripartite motif containing 8; plus strand). Cytogenetic location: 10q24.32.
Variant type: single nucleotide variant.
Coding change: c.830A>G on transcript NM_030912.3 (MANE Select); coding-DNA position 830, A replaced by G.
Protein change: p.Gln277Arg; replaces glutamine 277 with arginine.
Molecular consequence: missense variant. On other transcripts: non-coding transcript variant (1).
Genome position (GRCh38, 1-based): chr10:102,655,243, A>G. VCF-style: chr10-102655243-A-G. GRCh37 (hg19) VCF-style: chr10-104415000-A-G.
Other names: c.734A>G, p.Gln245Arg (NM_001345950.1); short protein forms Q245R, Q277R.
Identifiers: ClinVar variation 2502792 (VCV002502792.2), dbSNP rs2492909379, ClinGen allele CA377929523.
Genomic context (GRCh38, chr10:102,655,243, plus strand): 5'-CCCAGGCCAAGTTCTGCAGCGAGAACGCAGCGCAGGCGCTGCACCTCGGGGAGCGCATGC[A>G]GGAGGCCAAGAAGCTGCTGGGCTCCCTGCAGCTGCTCTTTGATAAGACGGAGGATGTCAG-3'
Protein context (NP_112174.2, residues 267-287): AQALHLGERM[Gln277Arg]EAKKLLGSLQ

ClinVar aggregate classification (germline): Conflicting classifications of pathogenicity. Review status: criteria provided, conflicting classifications (1 of 4 stars). 2 submissions from 2 submitters: Uncertain significance (1); Likely benign (1). Last evaluated 2024-09-20.

Conditions:
Focal segmental glomerulosclerosis and neurodevelopmental syndrome. Identifiers: MedGen C5561938, MONDO:0100111, OMIM 619428.

Submissions (2):

3billion
Classification: Likely benign for Focal segmental glomerulosclerosis and neurodevelopmental syndrome. Last evaluated: 2024-09-20. Review status: criteria provided, single submitter. Criteria: ACMG Guidelines, 2015. Collection method: clinical testing. Allele origin: germline. Affected: no.
Comment: This variant was found as homozygous in at least one patient wth no related symptoms.

GeneDx
Classification: Uncertain significance. Last evaluated: 2022-11-21. Review status: criteria provided, single submitter. Criteria: GeneDx Variant Classification Process June 2021. Collection method: clinical testing. Allele origin: germline. Affected: yes.
Comment: Not observed at significant frequency in large population cohorts (gnomAD); In silico analysis supports that this missense variant does not alter protein structure/function; Has not been previously published as pathogenic or benign to our knowledge